The following is an entry in ClinVar:

ClinVar aggregate classification (germline): Pathogenic. Review status: criteria provided, multiple submitters, no conflicts (2 of 4 stars). 4 submissions from 4 submitters: Pathogenic (2). 2 of the submissions do not count toward it. Last evaluated 2025-10-21.

Conditions:
Roberts-SC phocomelia syndrome (RBS). Also called: Hypomelia hypotrichosis facial hemangioma syndrome; LONG BONE DEFICIENCIES ASSOCIATED WITH CLEFT LIP-PALATE; Pseudothalidomide syndrome; Appelt-Gerken-Lenz syndrome; ESCO2 Spectrum Disorder. Identifiers: Orphanet 3103, MedGen C0392475, MONDO:0100253, OMIM 268300.

Allele frequency attached by ClinVar (database versions not stated): gnomAD exomes below 0.00001.

Submissions (4):

Natera, Inc.
Classification: Pathogenic for Roberts syndrome. Last evaluated: 2025-10-21. Review status: criteria provided, single submitter. Criteria: Natera Variant Classification Schema (03/2026). Collection method: clinical testing. Allele origin: germline.
Comment: The c.751dupG variant in ESCO2 is a frameshift variant predicted to shift the reading frame beginning at codon 251 and leads to a stop codon 30 codons downstream. This variant is expected to result in nonsense mediated decay, truncation, or a dysfunctional protein product. This variant is rare in the general population with a frequency below the threshold expected for the associated phenotype(s). This variant has been observed in one or more individuals affected with the associated recessive disease, as either homozygous or compound heterozygous with a second variant (PMID: 15821733). Functional studies show that this variant may disrupt protein function (PMID: 18411254). Given the available evidence, this variant is classified as Pathogenic.

Labcorp Genetics (formerly Invitae), Labcorp
Classification: Pathogenic. Last evaluated: 2024-01-28. Review status: criteria provided, single submitter. Criteria: Invitae Variant Classification Sherloc (09022015). Collection method: clinical testing. Allele origin: germline.
Comment: This sequence change creates a premature translational stop signal (p.Glu251Glyfs*30) in the ESCO2 gene. It is expected to result in an absent or disrupted protein product. Loss-of-function variants in ESCO2 are known to be pathogenic (PMID: 15821733, 16380922). This variant is not present in population databases (gnomAD no frequency). This premature translational stop signal has been observed in individual(s) with Roberts syndrome (PMID: 15821733). It has also been observed to segregate with disease in related individuals. ClinVar contains an entry for this variant (Variation ID: 1737). For these reasons, this variant has been classified as Pathogenic.

OMIM
Classification: Pathogenic for ROBERTS-SC PHOCOMELIA SYNDROME. Last evaluated: 2005-05-01. Review status: no assertion criteria provided. Collection method: literature only. Allele origin: germline. Not counted in ClinVar's aggregate classification.

GeneReviews
No classification provided. Condition: Roberts-SC phocomelia syndrome. Review status: no classification provided. Collection method: literature only. Allele origin: germline. Not counted in ClinVar's aggregate classification.

Literature cited by the submitters: PubMed 15821733 (cited by 4 submitters); PubMed 18411254 (cited by Natera, Inc.); PubMed 16380922 (cited by Labcorp Genetics (formerly Invitae), Labcorp); PubMed 20301332 (cited by GeneReviews).

NM_001017420.3(ESCO2):c.751dup (p.Glu251fs)

Gene: ESCO2 (establishment of sister chromatid cohesion N-acetyltransferase 2; plus strand). Cytogenetic location: 8p21.1.
Variant type: Duplication.
Coding change: c.751dup on transcript NM_001017420.3 (MANE Select); coding-DNA position 751, one base duplicated (G; older notation c.751dupG).
Protein change: p.Glu251fs; shifts the reading frame from glutamic acid 251.
Molecular consequence: frameshift variant.
Genome position (GRCh38, 1-based): chr8:27,777,059, G duplicated. VCF-style (leftmost placement, unchanged base first): chr8-27777058-T-TG. GRCh37 (hg19) VCF-style: chr8-27634575-T-TG.
Other names: c.750_751insG (NM_001017420.2); short protein forms E251fs.
Identifiers: ClinVar variation 1737 (VCV000001737.10), dbSNP rs1554554098, ClinGen allele CA339906.
Genomic context (GRCh38, chr8:27,777,058, plus strand): 5'-GGGACGCACCCAAAAGAGTAAATCAGAAGTCATTGAAGATTCTGATGTAGAGACTGTCAG[T>TG]GAAAAAAAAACTTTTGCGACAAGGCAAGTGCCAAAGTGCTTGGTCCTAGAAGAGAAATTG-3'